The following is an entry in ClinVar:

NM_022168.4(IFIH1):c.949C>T (p.Gln317Ter)

Gene: IFIH1 (interferon induced with helicase C domain 1; minus strand). Cytogenetic location: 2q24.2.
Variant type: single nucleotide variant.
Coding change: c.949C>T on transcript NM_022168.4 (MANE Select); coding-DNA position 949, C replaced by T.
Protein change: p.Gln317Ter; replaces glutamine 317 with a stop codon.
Molecular consequence: nonsense.
Genome position (GRCh38, 1-based): chr2:162,288,281, G>A on the plus strand (C>T on the coding strand, the complement: IFIH1 is on the minus strand). VCF-style: chr2-162288281-G-A. GRCh37 (hg19) VCF-style: chr2-163144791-G-A.
Other names: c.949C>T, p.Gln317Ter (LRG_1235t1); short protein forms Q317*.
Identifiers: ClinVar variation 644533 (VCV000644533.6), dbSNP rs74162079, ClinGen allele CA1934657.

ClinVar aggregate classification (germline): Uncertain significance (1 of 4 stars; one submission).

Conditions:
Aicardi-Goutieres syndrome 7 (AGS7). Identifiers: Orphanet 51, MedGen C3888244, MONDO:0014367, OMIM 615846.
Singleton-Merten syndrome 1 (SGMRT1). Also called: Widened medullary cavities of bone, aortic calcification, abnormal dentition, and muscular weakness; Syndrome of widened medullary cavities of the metacarpals and phalanges, aortic calcification and abnormal dentition. Identifiers: Orphanet 85191, MedGen C4225427, MONDO:0024535, OMIM 182250.

Allele frequency attached by ClinVar (database versions not stated): ESP Exome Variant Server 0.00015; TOPMed 0.00004; gnomAD 0.00003; gnomAD exomes 0.00013; ExAC 0.00004.
gnomAD v4.1: 197 of 1,612,664 alleles (0.012%); highest among the groups gnomAD compares: Non-Finnish European, 0.016%; no homozygotes.

Submission:

Labcorp Genetics (formerly Invitae), Labcorp
Classification: Uncertain significance for Aicardi-Goutieres syndrome 7; Singleton-Merten syndrome 1. Last evaluated: 2025-10-01. Review status: criteria provided, single submitter. Criteria: Invitae Variant Classification Sherloc (09022015). Collection method: clinical testing. Allele origin: germline.
Comment: This sequence change creates a premature translational stop signal (p.Gln317*) in the IFIH1 gene. It is expected to result in an absent or disrupted protein product. However, the current clinical and genetic evidence is not sufficient to establish whether loss-of-function variants in IFIH1 cause disease. This variant is present in population databases (rs74162079, gnomAD 0.01%). This variant has not been reported in the literature in individuals affected with IFIH1-related conditions. ClinVar contains an entry for this variant (Variation ID: 644533). In summary, the available evidence is currently insufficient to determine the role of this variant in disease. Therefore, it has been classified as a Variant of Uncertain Significance.